The following is an entry in ClinVar:

ClinVar aggregate classification (germline): Uncertain significance (1 of 4 stars; one submission).

Allele frequency attached by ClinVar (database versions not stated): gnomAD exomes 0.00001.
gnomAD v4.1: 9 of 1,567,226 alleles (0.00057%); highest among the groups gnomAD compares: Non-Finnish European, 0.00069%; no homozygotes.

Submission:

GeneDx
Classification: Uncertain significance. Last evaluated: 2023-04-18. Review status: criteria provided, single submitter. Criteria: GeneDx Variant Classification Process June 2021. Collection method: clinical testing. Allele origin: germline. Affected: yes.
Comment: Not observed at significant frequency in large population cohorts (gnomAD); Nucleotide substitution has no predicted effect on splicing and is not conserved across species; Has not been previously published as pathogenic or benign to our knowledge

NM_000478.6(ALPL):c.-3A>C

Gene: ALPL (alkaline phosphatase, biomineralization associated; plus strand). Cytogenetic location: 1p36.12.
Variant type: single nucleotide variant.
Coding change: c.-3A>C on transcript NM_000478.6 (MANE Select); 3 bases upstream of the start codon, A replaced by C.
Molecular consequence: 5 prime UTR variant. On other transcripts: intron variant (2).
Genome position (GRCh38, 1-based): chr1:21,554,079, A>C. VCF-style: chr1-21554079-A-C. GRCh37 (hg19) VCF-style: chr1-21880572-A-C.
Other names: c.-3A>C (NM_001369803.2, NM_001369804.2, NM_001369805.2); c.-104-6547A>C (NM_001127501.4); c.-54-6547A>C (NM_001177520.3).
Identifiers: ClinVar variation 2663553 (VCV002663553.1), dbSNP rs1570252017, ClinGen allele CA1158009933.
Genomic context (GRCh38, chr1:21,554,079, plus strand): 5'-CCCTCCCACCCACGTCGATTGCATCTCTGGGCTCCAGGGATAAAGCAGGTCTTGGGGTGC[A>C]CCATGATTTCACCATTCTTAGTACTGGCCATTGGCACCTGCCTTACTAACTCCTTAGTGC-3'